The following is an entry in ClinVar:

NM_004281.4(BAG3):c.326A>G (p.His109Arg)

Gene: BAG3 (BAG cochaperone 3; plus strand). Cytogenetic location: 10q26.11.
Variant type: single nucleotide variant.
Coding change: c.326A>G on transcript NM_004281.4 (MANE Select); coding-DNA position 326, A replaced by G.
Protein change: p.His109Arg; replaces histidine 109 with arginine.
Molecular consequence: missense variant.
Genome position (GRCh38, 1-based): chr10:119,669,996, A>G. VCF-style: chr10-119669996-A-G. GRCh37 (hg19) VCF-style: chr10-121429508-A-G.
Other names: short protein forms H109R.
Identifiers: ClinVar variation 1729601 (VCV001729601.2), dbSNP rs2494009393, ClinGen allele CA378294866.

ClinVar aggregate classification (germline): Uncertain significance (1 of 4 stars; one submission).

Conditions:
Cardiovascular phenotype. Identifiers: MedGen CN230736.

Submission:

Ambry Genetics
Classification: Uncertain significance for Cardiovascular phenotype. Last evaluated: 2019-07-12. Review status: criteria provided, single submitter. Criteria: Ambry Variant Classification Scheme 2023. Collection method: clinical testing. Allele origin: germline.
Comment: The p.H109R variant (also known as c.326A>G), located in coding exon 2 of the BAG3 gene, results from an A to G substitution at nucleotide position 326. The histidine at codon 109 is replaced by arginine, an amino acid with highly similar properties. This variant has been detected in an individual with dilated cardiomyopathy (Norton N et al. Am. J. Hum. Genet., 2011 Mar;88:273-82). This amino acid position is not well conserved in available vertebrate species, and arginine is the reference amino acid in other vertebrate species. In addition, the in silico prediction for this alteration is inconclusive. Since supporting evidence is limited at this time, the clinical significance of this alteration remains unclear.

Literature cited by the submitters: PubMed 21353195.